The following is an entry in ClinVar:

ClinVar aggregate classification (germline): Uncertain significance (1 of 4 stars; one submission).

Conditions:
Hereditary cancer-predisposing syndrome. Also called: Tumor predisposition; Hereditary neoplastic syndrome; Hereditary Cancer Syndrome; Neoplastic Syndromes, Hereditary. Identifiers: Orphanet 140162, MedGen C0027672, MeSH D009386, MONDO:0015356.

Allele frequency attached by ClinVar (database versions not stated): TOPMed 0.00001.

Submission:

Color Diagnostics, LLC DBA Color Health
Classification: Uncertain significance for Hereditary cancer-predisposing syndrome. Last evaluated: 2020-10-13. Review status: criteria provided, single submitter. Criteria: ACMG Guidelines, 2015. Collection method: clinical testing. Allele origin: germline.
Comment: This variant causes an insertion of 1 nucleotide in exon 2 of the BRIP1 gene, creating a premature translation stop signal. This variant is expected to result in an absent or non-functional protein product. However, There are downstream in-frame methionines (Met28, Met29) that could potentially serve as alternate translation start site and rescue the deleterious effect of this variant. To our knowledge, functional studies have not been reported for this variant. This variant has not been reported in individuals affected with hereditary cancer in the literature. This variant has not been identified in the general population by the Genome Aggregation Database (gnomAD). The available evidence is insufficient to determine the role of this variant in disease conclusively. Therefore, this variant is classified as a Variant of Uncertain Significance.

NM_032043.3(BRIP1):c.65dup (p.Tyr22Ter)

Gene: BRIP1 (BRCA1 interacting DNA helicase 1; minus strand). Cytogenetic location: 17q23.2.
Variant type: Duplication.
Coding change: c.65dup on transcript NM_032043.3 (MANE Select); coding-DNA position 65, one base duplicated (A; older notation c.65dupA).
Protein change: p.Tyr22Ter; replaces tyrosine 22 with a stop codon.
Molecular consequence: nonsense.
Genome position (GRCh38, 1-based): chr17:61,861,475, T duplicated on the plus strand (A on the coding strand, the reverse complement: BRIP1 is on the minus strand). VCF-style (leftmost placement, unchanged base first): chr17-61861474-G-GT. GRCh37 (hg19) VCF-style: chr17-59938835-G-GT.
Other names: short protein forms Y22*.
Identifiers: ClinVar variation 1172399 (VCV001172399.2), dbSNP rs1406859817, ClinGen allele CA773832479.